The following is an entry in ClinVar:

NM_001365276.2(TNXB):c.4013T>C (p.Val1338Ala)

Gene: TNXB (tenascin XB; minus strand). Cytogenetic location: 6p21.33.
Variant type: single nucleotide variant.
Coding change: c.4013T>C on transcript NM_001365276.2 (MANE Select); coding-DNA position 4013, T replaced by C.
Protein change: p.Val1338Ala; replaces valine 1338 with alanine.
Molecular consequence: missense variant.
Genome position (GRCh38, 1-based): chr6:32,081,397, A>G on the plus strand (T>C on the coding strand, the complement: TNXB is on the minus strand). VCF-style: chr6-32081397-A-G. GRCh37 (hg19) VCF-style: chr6-32049174-A-G.
Other names: c.4754T>C, p.Val1585Ala (NM_001428335.1); c.4013T>C, p.Val1338Ala (NM_019105.8); short protein forms V1585A, V1338A.
Identifiers: ClinVar variation 3459941 (VCV003459941.2).

ClinVar aggregate classification (germline): Uncertain significance (1 of 4 stars; one submission).

Conditions:
Cardiovascular phenotype. Identifiers: MedGen CN230736.

gnomAD v4.1: 1 of 1,543,190 alleles (0.000065%); highest among the groups gnomAD compares: Non-Finnish European, 0.000088%; no homozygotes.

Submission:

Ambry Genetics
Classification: Uncertain significance for Cardiovascular phenotype. Last evaluated: 2026-06-21. Review status: criteria provided, single submitter. Criteria: Ambry Variant Classification Scheme 2023. Collection method: clinical testing. Allele origin: germline.
Comment: The p.V1338A variant (also known as c.4013T>C), located in coding exon 9 of the TNXB gene, results from a T to C substitution at nucleotide position 4013. The valine at codon 1338 is replaced by alanine, an amino acid with similar properties. This amino acid position is conserved. In addition, this alteration is predicted to be tolerated by in silico analysis. Based on the available evidence, the clinical significance of this variant remains unclear.